The following is an entry in ClinVar:

NM_001267550.2(TTN):c.59626+7del

Genes: TTN-AS1 (TTN antisense RNA 1; plus strand), TTN (titin; minus strand), LOC126806424 (CDK7 strongly-dependent group 2 enhancer GRCh37_chr2:179456337-179457536; plus strand). Cytogenetic location: 2q31.2.
Variant type: Deletion.
Coding change: c.59626+7del on transcript NM_001267550.2 (MANE Select); 7 bases into the intron after coding-DNA position 59626, one base deleted (A; older notation c.59626+7delA).
Molecular consequence: intron variant.
Genome position (GRCh38, 1-based): chr2:178,592,372, T deleted on the plus strand (A on the coding strand, the reverse complement: TTN is on the minus strand); the first of 2 consecutive T bases (chr2:178,592,372-178,592,373); deleting either gives the same sequence. VCF-style (leftmost placement, unchanged base first): chr2-178592371-AT-A. GRCh37 (hg19) VCF-style: chr2-179457098-AT-A.
Other names: c.32431+7del (NM_003319.4); c.33007+7del (NM_133437.4); c.32806+7del (NM_133432.3); c.51922+7del (NM_133378.4); c.54703+7del (NM_001256850.1); c.59626+7delA (NM_001267550.2); c.54703+7delA (NM_001256850.1).
Identifiers: ClinVar variation 418529 (VCV000418529.13), dbSNP rs766734794, ClinGen allele CA1992638.
Genomic context (GRCh38, chr2:178,592,371, plus strand): 5'-TTTTATCCATATAAGAGCTCAAAATTATCAAAATTTATTTTTAATGGCCTAAGTAGTAAA[AT>A]TCTTACCTAATACAAGTACTTTTACTGAGACAGTTTTTGAACCAGCTGGATTCTCCACTG-3'

ClinVar aggregate classification (germline): Likely benign. Review status: criteria provided, multiple submitters, no conflicts (2 of 4 stars). 3 submissions from 3 submitters: Likely benign (3). Last evaluated 2025-01-29.

Conditions:
Autosomal recessive limb-girdle muscular dystrophy type 2J (LGMDR10). Also called: Limb-girdle muscular dystrophy, type 2J; MUSCULAR DYSTROPHY, LIMB-GIRDLE, AUTOSOMAL RECESSIVE 10. Identifiers: Orphanet 140922, MedGen C1837342, MONDO:0012127, OMIM 608807.
Dilated cardiomyopathy 1G (CMD1G). Identifiers: Orphanet 154, MedGen C1858763, MONDO:0011400, OMIM 604145.

Submissions (3):

Labcorp Genetics (formerly Invitae), Labcorp
Classification: Likely benign for Dilated cardiomyopathy 1G; Autosomal recessive limb-girdle muscular dystrophy type 2J. Last evaluated: 2025-01-29. Review status: criteria provided, single submitter. Criteria: Invitae Variant Classification Sherloc (09022015). Collection method: clinical testing. Allele origin: germline.

Blueprint Genetics
Classification: Likely benign. Last evaluated: 2024-09-12. Review status: criteria provided, single submitter. Criteria: ACMG Guidelines, 2015. Collection method: clinical testing. Allele origin: germline.

GeneDx
Classification: Likely benign. Last evaluated: 2016-12-28. Review status: criteria provided, single submitter. Criteria: GeneDx Variant Classification (06012015). Collection method: clinical testing. Allele origin: germline. Affected: yes.
Comment: This variant is considered likely benign or benign based on one or more of the following criteria: it is a conservative change, it occurs at a poorly conserved position in the protein, it is predicted to be benign by multiple in silico algorithms, and/or has population frequency not consistent with disease.